The following is an entry in ClinVar:

ClinVar aggregate classification (germline): Benign/Likely benign. Review status: criteria provided, multiple submitters, no conflicts (2 of 4 stars). 5 submissions from 5 submitters: Benign (3); Likely benign (1). 1 of the submissions does not count toward it. Last evaluated 2026-01-15.

Conditions:
NDUFV2-related disorder. Also called: NDUFV2-related condition.

Allele frequency attached by ClinVar (database versions not stated): gnomAD exomes 0.00034 and 0.00088; ExAC 0.00115; ESP Exome Variant Server 0.00369; gnomAD 0.00372 and 0.00401; 1000 Genomes Project 0.00399; TOPMed 0.00414; 1000 Genomes Project 30x 0.00437.
gnomAD v4.1: 1,081 of 1,586,736 alleles (0.068%); highest among the groups gnomAD compares: African/African-American, 1.3%; 8 homozygotes.

Submissions (5):

Labcorp Genetics (formerly Invitae), Labcorp
Classification: Benign. Last evaluated: 2026-01-15. Review status: criteria provided, single submitter. Criteria: Invitae Variant Classification Sherloc (09022015). Collection method: clinical testing. Allele origin: germline.

Mayo Clinic Laboratories, Mayo Clinic
Classification: Likely benign. Last evaluated: 2025-04-09. Review status: criteria provided, single submitter. Criteria: ACMG Guidelines, 2015. Collection method: clinical testing. Allele origin: germline. Observed: 3 variant alleles.
Comment: BA1, BP4

GeneDx
Classification: Benign. Last evaluated: 2013-08-07. Review status: criteria provided, single submitter. Criteria: GeneDx Variant Classification (06012015). Collection method: clinical testing. Allele origin: germline. Affected: yes.
Comment: This variant is considered likely benign or benign based on one or more of the following criteria: it is a conservative change, it occurs at a poorly conserved position in the protein, it is predicted to be benign by multiple in silico algorithms, and/or has population frequency not consistent with disease.

Breakthrough Genomics
Classification: Benign. Review status: criteria provided, single submitter. Criteria: ACMG Guidelines, 2015. Collection method: not provided. Allele origin: germline. Inheritance: Autosomal recessive inheritance. Affected: yes.

PreventionGenetics, part of Exact Sciences
Classification: Benign for NDUFV2-related condition. Last evaluated: 2020-01-13. Review status: no assertion criteria provided. Collection method: clinical testing. Allele origin: germline. Not counted in ClinVar's aggregate classification.
Comment: This variant is classified as benign based on ACMG/AMP sequence variant interpretation guidelines (Richards et al. 2015 PMID: 25741868, with internal and published modifications).

NM_021074.5(NDUFV2):c.118G>A (p.Val40Met)

Gene: NDUFV2 (NADH:ubiquinone oxidoreductase core subunit V2; plus strand). Cytogenetic location: 18p11.22.
Variant type: single nucleotide variant.
Coding change: c.118G>A on transcript NM_021074.5 (MANE Select); coding-DNA position 118, G replaced by A.
Protein change: p.Val40Met; replaces valine 40 with methionine.
Molecular consequence: missense variant.
Genome position (GRCh38, 1-based): chr18:9,117,901, G>A. VCF-style: chr18-9117901-G-A. GRCh37 (hg19) VCF-style: chr18-9117899-G-A.
Other names: p.V40M:GTG>ATG; p.Val40Met; short protein forms V40M.
Identifiers: ClinVar variation 138505 (VCV000138505.15), dbSNP rs75362221, ClinGen allele CA292523.